The following is an entry in ClinVar:

NM_001127208.3(TET2):c.3215C>A (p.Ala1072Glu)

Genes: TET2 (tet methylcytosine dioxygenase 2; plus strand), TET2-AS1 (TET2 antisense RNA 1; minus strand). Cytogenetic location: 4q24.
Variant type: single nucleotide variant.
Coding change: c.3215C>A on transcript NM_001127208.3 (MANE Select); coding-DNA position 3215, C replaced by A.
Protein change: p.Ala1072Glu; replaces alanine 1072 with glutamic acid.
Molecular consequence: missense variant.
Genome position (GRCh38, 1-based): chr4:105,237,157, C>A. VCF-style: chr4-105237157-C-A. GRCh37 (hg19) VCF-style: chr4-106158314-C-A.
Other names: c.3215C>A, p.Ala1072Glu (NM_017628.4); short protein forms A1072E.
Identifiers: ClinVar variation 3967619 (VCV003967619.1).

ClinVar aggregate classification (germline): Uncertain significance (1 of 4 stars; one submission).

Submission:

Ambry Genetics
Classification: Uncertain significance. Last evaluated: 2025-05-07. Review status: criteria provided, single submitter. Criteria: Ambry Variant Classification Scheme 2023. Collection method: clinical testing. Allele origin: germline.
Comment: The p.A1072E variant (also known as c.3215C>A), located in coding exon 1 of the TET2 gene, results from a C to A substitution at nucleotide position 3215. The alanine at codon 1072 is replaced by glutamic acid, an amino acid with dissimilar properties. This amino acid position is conserved. In addition, this alteration is predicted to be tolerated by in silico analysis. Based on the available evidence, the clinical significance of this variant remains unclear.